The following is an entry in ClinVar:

NM_006096.4(NDRG1):c.109A>G (p.Ile37Val)

Gene: NDRG1 (N-myc downstream regulated 1; minus strand). Cytogenetic location: 8q24.22.
Variant type: single nucleotide variant.
Coding change: c.109A>G on transcript NM_006096.4 (MANE Select); coding-DNA position 109, A replaced by G.
Protein change: p.Ile37Val; replaces isoleucine 37 with valine.
Molecular consequence: missense variant. On other transcripts: 5 prime UTR variant (2), intron variant (1).
Genome position (GRCh38, 1-based): chr8:133,264,643, T>C on the plus strand (A>G on the coding strand, the complement: NDRG1 is on the minus strand). VCF-style: chr8-133264643-T-C. GRCh37 (hg19) VCF-style: chr8-134276886-T-C.
Other names: c.109A>G, p.Ile37Val (NM_001135242.2, NM_001374844.1, NM_001374845.1 and 1 more transcripts); c.-90A>G (NM_001258432.2, NM_001374847.1); c.-38-2476A>G (NM_001258433.2); short protein forms I37V.
Identifiers: ClinVar variation 1791682 (VCV001791682.3), dbSNP rs200046476, ClinGen allele CA372256617.

ClinVar aggregate classification (germline): Uncertain significance. Review status: criteria provided, multiple submitters, no conflicts (2 of 4 stars). 2 submissions from 2 submitters: Uncertain significance (2). Last evaluated 2024-03-27.

Conditions:
Inborn genetic diseases. Identifiers: MedGen C0950123, MeSH D030342.

gnomAD v4.1: 7 of 1,614,084 alleles (0.00043%); highest among the groups gnomAD compares: Non-Finnish European, 0.00051%; no homozygotes.

Submissions (2):

Blueprint Genetics
Classification: Uncertain significance. Last evaluated: 2024-03-27. Review status: criteria provided, single submitter. Criteria: ACMG Guidelines, 2015. Collection method: clinical testing. Allele origin: germline.

Ambry Genetics
Classification: Uncertain significance for Inborn genetic diseases. Last evaluated: 2020-06-24. Review status: criteria provided, single submitter. Criteria: Ambry Variant Classification Scheme 2023. Collection method: clinical testing. Allele origin: germline.
Comment: The p.I37V variant (also known as c.109A>G), located in coding exon 3 of the NDRG1 gene, results from an A to G substitution at nucleotide position 109. The isoleucine at codon 37 is replaced by valine, an amino acid with highly similar properties. This amino acid position is not well conserved in available vertebrate species. In addition, this alteration is predicted to be tolerated by in silico analysis. Since supporting evidence is limited at this time, the clinical significance of this alteration remains unclear.